The following is an entry in ClinVar:

NM_005902.4(SMAD3):c.993C>T (p.Val331=)

Gene: SMAD3 (SMAD family member 3; plus strand). Cytogenetic location: 15q22.33.
Variant type: single nucleotide variant.
Coding change: c.993C>T on transcript NM_005902.4 (MANE Select); coding-DNA position 993, C replaced by T.
Protein change: p.Val331=; no amino-acid change (valine 331 retained).
Molecular consequence: synonymous variant. On other transcripts: intron variant (1).
Genome position (GRCh38, 1-based): chr15:67,184,848, C>T. VCF-style: chr15-67184848-C-T. GRCh37 (hg19) VCF-style: chr15-67477186-C-T.
Other names: c.678C>T, p.Val226= (NM_001145102.2, NM_001407016.1); c.861C>T, p.Val287= (NM_001145103.2, NM_001407012.1); c.408C>T, p.Val136= (NM_001145104.2, NM_001407017.1); c.993C>T, p.Val331= (NM_001407011.1); c.846C>T, p.Val282= (NM_001407014.1); c.546C>T, p.Val182= (NM_001407015.1); c.872-2517C>T (NM_001407013.1).
Identifiers: ClinVar variation 3074694 (VCV003074694.3), dbSNP rs2505300946, ClinGen allele CA490916614.

ClinVar aggregate classification (germline): Likely benign. Review status: criteria provided, multiple submitters, no conflicts (2 of 4 stars). 2 submissions from 2 submitters: Likely benign (2). Last evaluated 2024-06-30.

Conditions:
Familial thoracic aortic aneurysm and aortic dissection (TAAD). Also called: Thoracic aortic aneurysms and dissections. Identifiers: Orphanet 91387, MedGen C4707243, MONDO:0019625.
Aneurysm-osteoarthritis syndrome. Also called: SMAD3-Related Loeys-Dietz Syndrome; ANEURYSMS-OSTEOARTHRITIS SYNDROME; Loeys-Dietz syndrome, type 1C; LOEYS-DIETZ SYNDROME WITH OSTEOARTHRITIS. Identifiers: Orphanet 284984, MedGen C3151087, MONDO:0013426, OMIM 613795.

Allele frequency attached by ClinVar (database versions not stated): gnomAD exomes below 0.00001.
gnomAD v4.1: 1 of 1,613,142 alleles (0.000062%); highest among the groups gnomAD compares: Non-Finnish European, 0.000085%; no homozygotes.

Submissions (2):

Labcorp Genetics (formerly Invitae), Labcorp
Classification: Likely benign for Familial thoracic aortic aneurysm and aortic dissection. Last evaluated: 2024-06-30. Review status: criteria provided, single submitter. Criteria: Invitae Variant Classification Sherloc (09022015). Collection method: clinical testing. Allele origin: germline.

All of Us Research Program, National Institutes of Health
Classification: Likely benign for Aneurysm-osteoarthritis syndrome. Last evaluated: 2023-11-20. Review status: criteria provided, single submitter. Criteria: ACMG Guidelines, 2015. Collection method: clinical testing. Allele origin: germline. Inheritance: Autosomal dominant inheritance. Observed: 1 variant allele, 1 heterozygote.
Comment: This study involves interpretation of variants in research participants for the purpose of population health screening. Participant phenotype was not available at the time of variant classification. Additional details can be found in publication PMID: 35346344, PMCID: PMC8962531